The following is an entry in ClinVar:

NM_000169.3(GLA):c.176delinsGAT (p.Glu59fs)

Genes: RPL36A-HNRNPH2 (RPL36A-HNRNPH2 readthrough; plus strand), GLA (galactosidase alpha; minus strand). Cytogenetic location: Xq22.1.
Variant type: Indel.
Coding change: c.176delinsGAT on transcript NM_000169.3 (MANE Select); coding-DNA position 176, A replaced by GAT.
Protein change: p.Glu59fs; shifts the reading frame from glutamic acid 59.
Molecular consequence: frameshift variant. On other transcripts: non-coding transcript variant (3), intron variant (2).
Genome position (GRCh38, 1-based): chrX:101,407,728, T replaced by ATC on the plus strand (A replaced by GAT on the coding strand, the reverse complement: GLA is on the minus strand). VCF-style: chrX-101407728-T-ATC. GRCh37 (hg19) VCF-style: chrX-100662716-T-ATC.
Other names: c.176delinsGAT, p.Glu59fs (NM_001406747.1, NM_001406748.1, NM_001406749.1); c.301-4208delinsATC (NM_001199973.2); c.178-4208delinsATC (NM_001199974.2); short protein forms E59fs.
Identifiers: ClinVar variation 5012714 (VCV005012714.1).

ClinVar aggregate classification (germline): Pathogenic (1 of 4 stars; one submission).

Conditions:
Fabry disease. Also called: ALPHA-GALACTOSIDASE A DEFICIENCY; ANDERSON-FABRY DISEASE; CERAMIDE TRIHEXOSIDASE DEFICIENCY; GLA DEFICIENCY; HEREDITARY DYSTOPIC LIPIDOSIS; Angiokeratoma corporis diffusum. Identifiers: Orphanet 324, MedGen C0002986, MONDO:0010526, OMIM 301500, HP:0001071. Disease mechanism: Fabry disease is due to inactivating mutations in the X-linked GLA gene resulting in deficiency of the enzyme Alpha Galactosidase-A., loss of function.

Submission:

Myriad Genetics, Inc.
Classification: Pathogenic for Fabry disease. Last evaluated: 2024-02-08. Review status: criteria provided, single submitter. Criteria: Myriad Autosomal Dominant, Autosomal Recessive and X-Linked Classification Criteria (2023). Collection method: clinical testing. Allele origin: unknown.
Comment: NM_000169.2(GLA):c.176delAinsGAT(E59Gfs*63) is expected to be pathogenic in the context of Fabry disease. This variant is predicted to lead to an abnormal or absent protein product due to the creation of a premature termination codon in GLA, a gene where loss-of-function variants are known to be pathogenic. Please note: this variant was assessed in the context of healthy population screening.